The following is an entry in ClinVar:

ClinVar aggregate classification (germline): Likely benign. Review status: criteria provided, multiple submitters, no conflicts (2 of 4 stars). 2 submissions from 2 submitters: Likely benign (2). Last evaluated 2026-01-01.

Submissions (2):

CeGaT Center for Human Genetics Tuebingen
Classification: Likely benign. Last evaluated: 2026-01-01. Review status: criteria provided, single submitter. Criteria: CeGaT Center For Human Genetics Tuebingen Variant Classification Criteria Version 2. Collection method: clinical testing. Allele origin: germline. Affected: yes. Observed: 1 variant allele.
Comment: ADCY5: BP4, BP7

Labcorp Genetics (formerly Invitae), Labcorp
Classification: Likely benign. Last evaluated: 2023-12-20. Review status: criteria provided, single submitter. Criteria: Invitae Variant Classification Sherloc (09022015). Collection method: clinical testing. Allele origin: germline.

NM_183357.3(ADCY5):c.552C>T (p.Ser184=)

Gene: ADCY5 (adenylate cyclase 5; minus strand). Cytogenetic location: 3q21.1.
Variant type: single nucleotide variant.
Coding change: c.552C>T on transcript NM_183357.3 (MANE Select); coding-DNA position 552, C replaced by T.
Protein change: p.Ser184=; no amino-acid change (serine 184 retained).
Molecular consequence: synonymous variant.
Genome position (GRCh38, 1-based): chr3:123,447,994, G>A on the plus strand (C>T on the coding strand, the complement: ADCY5 is on the minus strand). VCF-style: chr3-123447994-G-A. GRCh37 (hg19) VCF-style: chr3-123166841-G-A.
Other names: c.552C>T, p.Ser184= (NM_001378259.1).
Identifiers: ClinVar variation 1926919 (VCV001926919.9), dbSNP rs749582093, ClinGen allele CA435438145.